The following is an entry in ClinVar:

ClinVar aggregate classification (germline): Uncertain significance. Review status: criteria provided, multiple submitters, no conflicts (2 of 4 stars). 2 submissions from 2 submitters: Uncertain significance (2). Last evaluated 2021-09-01.

Conditions:
Hyperphosphatasia with impaired intellectual development syndrome 2. Also called: Hyperphosphatasia with intellectual disability syndrome 2; GLYCOSYLPHOSPHATIDYLINOSITOL BIOSYNTHESIS DEFECT 6. Identifiers: Orphanet 247262, MedGen C3553637, MONDO:0013882, OMIM 614749.

Submissions (2):

Labcorp Genetics (formerly Invitae), Labcorp
Classification: Uncertain significance for Hyperphosphatasia with impaired intellectual development syndrome 2. Last evaluated: 2021-09-01. Review status: criteria provided, single submitter. Criteria: Invitae Variant Classification Sherloc (09022015). Collection method: clinical testing. Allele origin: germline.

Baylor Genetics
Classification: Uncertain significance for Hyperphosphatasia with impaired intellectual development syndrome 2. Last evaluated: 2020-09-16. Review status: criteria provided, single submitter. Criteria: ACMG Guidelines, 2015. Collection method: clinical testing. Allele origin: unknown. Affected: yes.
Comment: This variant was determined to be of uncertain significance according to ACMG Guidelines, 2015 [PMID:25741868].

NM_032634.4(PIGO):c.2363C>A (p.Thr788Asn)

Gene: PIGO (phosphatidylinositol glycan anchor biosynthesis class O; minus strand). Cytogenetic location: 9p13.3.
Variant type: single nucleotide variant.
Coding change: c.2363C>A on transcript NM_032634.4 (MANE Select); coding-DNA position 2363, C replaced by A.
Protein change: p.Thr788Asn; replaces threonine 788 with asparagine.
Molecular consequence: missense variant. On other transcripts: intron variant (2).
Genome position (GRCh38, 1-based): chr9:35,091,524, G>T on the plus strand (C>A on the coding strand, the complement: PIGO is on the minus strand). VCF-style: chr9-35091524-G-T. GRCh37 (hg19) VCF-style: chr9-35091521-G-T.
Other names: c.1345-233C>A (NM_152850.4, NM_001201484.2); short protein forms T788N.
Identifiers: ClinVar variation 1030045 (VCV001030045.4), dbSNP rs1390807512, ClinGen allele CA373320079.
Genomic context (GRCh38, chr9:35,091,524, plus strand): 5'-AACTCCTCCTGCATGTGTCGGTAGATTTGAGGGACCACATAATCCAAGTCAGCTTGAGAA[G>T]TGGGGGGGCCTGAGAAGGGAGTGAGGACAGTCCTGGTCCTTGGAGCGCCTGCCCCAGCCT-3'
Protein context (NP_116023.2, residues 778-798): TVLTPFSGPP[Thr788Asn]SQADLDYVVP